The following is an entry in ClinVar:

ClinVar aggregate classification (germline): Uncertain significance (1 of 4 stars; one submission).

Submission:

Athena Diagnostics
Classification: Uncertain significance. Last evaluated: 2023-08-14. Review status: criteria provided, single submitter. Criteria: Athena Diagnostics Criteria. Collection method: clinical testing. Allele origin: unknown.
Comment: Available data are insufficient to determine the clinical significance of the variant at this time. This duplication includes the entire coding sequence of the ATM gene. Due to limitations of this analysis, the exact size and insertion point of the duplication is unknown. Any potential impact of this duplication on the ATM gene cannot be determined. This variant has not been reported in large, multi-ethnic general populations.

Single allele

Gene: ATM (ATM serine/threonine kinase; plus strand). Cytogenetic location: 11q22.3.
Variant type: Duplication.
Identifiers: ClinVar variation 2684002 (VCV002684002.1).